The following is an entry in ClinVar:

NM_001394477.1(FCGR2B):c.608C>T (p.Thr203Met)

Gene: FCGR2B (Fc gamma receptor IIb; plus strand). Cytogenetic location: 1q23.3.
Variant type: single nucleotide variant.
Coding change: c.608C>T on transcript NM_001394477.1 (MANE Select); coding-DNA position 608, C replaced by T.
Protein change: p.Thr203Met; replaces threonine 203 with methionine.
Molecular consequence: missense variant. On other transcripts: non-coding transcript variant (1).
Genome position (GRCh38, 1-based): chr1:161,673,191, C>T. VCF-style: chr1-161673191-C-T. GRCh37 (hg19) VCF-style: chr1-161642981-C-T.
Other names: c.605C>T, p.Thr202Met (NM_001002273.3, NM_001002275.3); c.608C>T, p.Thr203Met (NM_001002274.3, NM_001386003.1, NM_001386005.1 and 1 more transcripts); c.587C>T, p.Thr196Met (NM_001190828.2, NM_001386001.1, NM_001386006.1); c.584C>T, p.Thr195Met (NM_001386000.1, NM_001386002.1, NM_001386004.1); short protein forms T195M, T196M, T202M, T203M.
Identifiers: ClinVar variation 2639516 (VCV002639516.24), dbSNP rs137950262, ClinGen allele CA1212780.

ClinVar aggregate classification (germline): Benign (1 of 4 stars; one submission).

Allele frequency attached by ClinVar (database versions not stated): 1000 Genomes Project 30x 0.00062; gnomAD 0.00088; ESP Exome Variant Server 0.00316; ExAC 0.00488.

Submission:

CeGaT Center for Human Genetics Tuebingen
Classification: Benign. Last evaluated: 2022-05-01. Review status: criteria provided, single submitter. Criteria: CeGaT Center For Human Genetics Tuebingen Variant Classification Criteria Version 2. Collection method: clinical testing. Allele origin: germline. Affected: yes. Observed: 1 variant allele.
Comment: FCGR2B: BS1, BS2